The following is an entry in ClinVar:

ClinVar aggregate classification (germline): Benign/Likely benign. Review status: criteria provided, multiple submitters, no conflicts (2 of 4 stars). 4 submissions from 4 submitters: Benign (1); Likely benign (2). 1 of the submissions does not count toward it. Last evaluated 2024-11-18.

Conditions:
Holoprosencephaly 11 (HPE11). Identifiers: Orphanet 2162, MedGen C3280215, MONDO:0013642, OMIM 614226.
CDON-related disorder. Also called: CDON-related condition.

Allele frequency attached by ClinVar (database versions not stated): gnomAD 0.00009 and 0.00013; TOPMed 0.00011; ExAC 0.00042; gnomAD exomes 0.00043.
gnomAD v4.1: 316 of 1,614,002 alleles (0.02%); highest among the groups gnomAD compares: South Asian, 0.27%; 3 homozygotes.

Submissions (4):

Labcorp Genetics (formerly Invitae), Labcorp
Classification: Benign for Holoprosencephaly 11. Last evaluated: 2024-11-18. Review status: criteria provided, single submitter. Criteria: Invitae Variant Classification Sherloc (09022015). Collection method: clinical testing. Allele origin: germline.

Illumina Laboratory Services, Illumina
Classification: Likely benign for Holoprosencephaly 11. Last evaluated: 2018-01-12. Review status: criteria provided, single submitter. Criteria: ICSL Variant Classification Criteria 13 December 2019. Collection method: clinical testing. Allele origin: germline.
Comment: This variant was observed in the ICSL laboratory as part of a predisposition screen in an ostensibly healthy population. It had not been previously curated by ICSL or reported in the Human Gene Mutation Database (HGMD: prior to June 1st, 2018), and was therefore a candidate for classification through an automated scoring system. Utilizing variant allele frequency, disease prevalence and penetrance estimates, and inheritance mode, an automated score was calculated to assess if this variant is too frequent to cause the disease. Based on the score and internal cut-off values, a variant classified as likely benign is not then subjected to further curation. The score for this variant resulted in a classification of likely benign for this disease.

Breakthrough Genomics
Classification: Likely benign. Review status: criteria provided, single submitter. Criteria: ACMG Guidelines, 2015. Collection method: not provided. Allele origin: germline. Inheritance: Autosomal dominant inheritance. Affected: yes.

PreventionGenetics, part of Exact Sciences
Classification: Likely benign for CDON-related condition. Last evaluated: 2020-03-20. Review status: no assertion criteria provided. Collection method: clinical testing. Allele origin: germline. Not counted in ClinVar's aggregate classification.
Comment: This variant is classified as likely benign based on ACMG/AMP sequence variant interpretation guidelines (Richards et al. 2015 PMID: 25741868, with internal and published modifications).

NM_001378964.1(CDON):c.1414C>G (p.Pro472Ala)

Gene: CDON (cell adhesion associated, oncogene regulated; minus strand). Cytogenetic location: 11q24.2.
Variant type: single nucleotide variant.
Coding change: c.1414C>G on transcript NM_001378964.1 (MANE Select); coding-DNA position 1414, C replaced by G.
Protein change: p.Pro472Ala; replaces proline 472 with alanine.
Molecular consequence: missense variant.
Genome position (GRCh38, 1-based): chr11:126,010,479, G>C on the plus strand (C>G on the coding strand, the complement: CDON is on the minus strand). VCF-style: chr11-126010479-G-C. GRCh37 (hg19) VCF-style: chr11-125880374-G-C.
Other names: c.1414C>G, p.Pro472Ala (NM_001243597.3, NM_016952.6); short protein forms P472A.
Identifiers: ClinVar variation 303519 (VCV000303519.11), dbSNP rs750020763, ClinGen allele CA6352043.